The following is an entry in ClinVar:

NM_021120.4(DLG3):c.1020T>G (p.His340Gln)

Gene: DLG3 (discs large MAGUK scaffold protein 3; plus strand). Cytogenetic location: Xq13.1.
Variant type: single nucleotide variant.
Coding change: c.1020T>G on transcript NM_021120.4 (MANE Select); coding-DNA position 1020, T replaced by G.
Protein change: p.His340Gln; replaces histidine 340 with glutamine.
Molecular consequence: missense variant.
Genome position (GRCh38, 1-based): chrX:70,451,901, T>G. VCF-style: chrX-70451901-T-G. GRCh37 (hg19) VCF-style: chrX-69671751-T-G.
Other names: short protein forms H340Q.
Identifiers: ClinVar variation 3368530 (VCV003368530.1).
Genomic context (GRCh38, chrX:70,451,901, plus strand): 5'-CTTTTCTCTCCCTTTCTTGATTCCAGCTTTTACTGCCTTGGCTGACAACCACATAAGCCA[T>G]AATTCCAGCCTGGGTTATCTCGGGGCTGTGGAGAGCAAGGTCAGCTACCCTGCTCCTCCT-3'
Protein context (NP_066943.2, residues 330-350): FTALADNHIS[His340Gln]NSSLGYLGAV

ClinVar aggregate classification (germline): Uncertain significance (1 of 4 stars; one submission).

Submission:

GeneDx
Classification: Uncertain significance. Last evaluated: 2024-01-29. Review status: criteria provided, single submitter. Criteria: GeneDx Variant Classification Process June 2021. Collection method: clinical testing. Allele origin: germline. Affected: yes.
Comment: Not observed at significant frequency in large population cohorts (gnomAD); In silico analysis supports that this missense variant does not alter protein structure/function; Has not been previously published as pathogenic or benign to our knowledge